The following is an entry in ClinVar:

ClinVar aggregate classification (germline): Uncertain significance (1 of 4 stars; one submission).

gnomAD v4.1: 6 of 1,504,956 alleles (0.0004%); highest among the groups gnomAD compares: African/African-American, 0.0014%; no homozygotes.

Submission:

Ambry Genetics
Classification: Uncertain significance. Last evaluated: 2024-12-10. Review status: criteria provided, single submitter. Criteria: Ambry Variant Classification Scheme 2023. Collection method: clinical testing. Allele origin: germline.
Comment: The p.E1803K variant (also known as c.5407G>A), located in coding exon 22 of the WNK2 gene, results from a G to A substitution at nucleotide position 5407. The glutamic acid at codon 1803 is replaced by lysine, an amino acid with similar properties. This amino acid position is conserved. In addition, this alteration is predicted to be tolerated by in silico analysis. Based on the available evidence, the clinical significance of this variant remains unclear.

NM_006648.4(WNK2):c.5407G>A (p.Glu1803Lys)

Gene: WNK2 (WNK lysine deficient protein kinase 2; plus strand). Cytogenetic location: 9q22.31.
Variant type: single nucleotide variant.
Coding change: c.5407G>A on transcript NM_006648.4 (MANE Select); coding-DNA position 5407, G replaced by A.
Protein change: p.Glu1803Lys; replaces glutamic acid 1803 with lysine.
Molecular consequence: missense variant.
Genome position (GRCh38, 1-based): chr9:93,292,872, G>A. VCF-style: chr9-93292872-G-A. GRCh37 (hg19) VCF-style: chr9-96055154-G-A.
Other names: c.5518G>A, p.Glu1840Lys (NM_001282394.3); short protein forms E1840K, E1803K.
Identifiers: ClinVar variation 3470707 (VCV003470707.1).
Genomic context (GRCh38, chr9:93,292,872, plus strand): 5'-GACGTGAAGCTGGCAGTGCGGCGGGCGCAGACGGCCTCCTCCATCGAGGTCGGCGTGGGC[G>A]AGCCCGTGTCCAGCGACTCTGGGGACGAGGGCCCTCGGGCGAGACCCCCGGTGCAGAAGC-3'
Protein context (NP_006639.3, residues 1793-1813): TASSIEVGVG[Glu1803Lys]PVSSDSGDEG